The following is an entry in ClinVar:

NM_001042492.3(NF1):c.2592C>T (p.Ser864=)

Gene: NF1 (neurofibromin 1; plus strand). Cytogenetic location: 17q11.2.
Variant type: single nucleotide variant.
Coding change: c.2592C>T on transcript NM_001042492.3 (MANE Select); coding-DNA position 2592, C replaced by T.
Protein change: p.Ser864=; no amino-acid change (serine 864 retained).
Molecular consequence: synonymous variant.
Genome position (GRCh38, 1-based): chr17:31,229,207, C>T. VCF-style: chr17-31229207-C-T. GRCh37 (hg19) VCF-style: chr17-29556225-C-T.
Other names: c.2592C>T, p.Ser864= (NM_000267.4).
Identifiers: ClinVar variation 457592 (VCV000457592.15), dbSNP rs761499485, ClinGen allele CA8486002.

ClinVar aggregate classification (germline): Benign/Likely benign. Review status: criteria provided, multiple submitters, no conflicts (2 of 4 stars). 6 submissions from 6 submitters: Benign (1); Likely benign (5). Last evaluated 2026-05-18.

Conditions:
Hereditary cancer-predisposing syndrome. Also called: Hereditary neoplastic syndrome; Neoplastic Syndromes, Hereditary; Hereditary Cancer Syndrome; Tumor predisposition. Identifiers: Orphanet 140162, MedGen C0027672, MeSH D009386, MONDO:0015356.
Café-au-lait macules with pulmonary stenosis (WTSN). Also called: PULMONIC STENOSIS WITH CAFE-AU-LAIT SPOTS. Identifiers: MedGen C0553586, MONDO:0008672, OMIM 193520.
Neurofibromatosis-Noonan syndrome (NFNS). Also called: NEUROFIBROMATOSIS WITH NOONAN PHENOTYPE. Identifiers: Orphanet 638, MedGen C2931482, MONDO:0011035, OMIM 601321. Disease mechanism: loss of function.
Neurofibromatosis, familial spinal (FSNF). Identifiers: Orphanet 636, MedGen C1834235, MONDO:0008078, OMIM 162210. Disease mechanism: loss of function.
Juvenile myelomonocytic leukemia (JMML). Also called: LEUKEMIA, JUVENILE MYELOMONOCYTIC, SOMATIC. Identifiers: Orphanet 86834, MedGen C0349639, MONDO:0011908, OMIM 607785, HP:0012209.
Neurofibromatosis, type 1 (NF1). Also called: Peripheral type neurofibromatosis; Neurofibromatosis, type I; VON RECKLINGHAUSEN DISEASE; NEUROFIBROMATOSIS, TYPE I, SOMATIC. Identifiers: Orphanet 636, MedGen C0027831, MONDO:0018975, OMIM 162200. Disease mechanism: loss of function.

Allele frequency attached by ClinVar (database versions not stated): gnomAD 0.00003 and 0.00004; gnomAD exomes 0.00002 and 0.00001; ExAC 0.00002; TOPMed 0.00004.
gnomAD v4.1: 10 of 1,611,912 alleles (0.00062%); highest among the groups gnomAD compares: African/African-American, 0.008%; no homozygotes.

Submissions (6):

Myriad Genetics, Inc.
Classification: Benign for Neurofibromatosis, type 1. Last evaluated: 2026-05-18. Review status: criteria provided, single submitter. Criteria: Myriad Autosomal Dominant, Autosomal Recessive and X-Linked Classification Criteria (2023). Collection method: clinical testing. Allele origin: unknown.
Comment: This variant is considered benign. This variant is a silent/synonymous amino acid change and it is not expected to impact splicing.

Labcorp Genetics (formerly Invitae), Labcorp
Classification: Likely benign for Neurofibromatosis, type 1. Last evaluated: 2026-01-27. Review status: criteria provided, single submitter. Criteria: Invitae Variant Classification Sherloc (09022015). Collection method: clinical testing. Allele origin: germline.

Fulgent Genetics
Classification: Likely benign for Neurofibromatosis, type 1; Neurofibromatosis, familial spinal; Café-au-lait macules with pulmonary stenosis; Neurofibromatosis-Noonan syndrome; Juvenile myelomonocytic leukemia. Last evaluated: 2022-04-21. Review status: criteria provided, single submitter. Criteria: ACMG Guidelines, 2015. Collection method: clinical testing. Allele origin: unknown.

Genome-Nilou Lab
Classification: Likely benign for Neurofibromatosis, type 1. Last evaluated: 2022-03-15. Review status: criteria provided, single submitter. Criteria: ACMG Guidelines, 2015. Collection method: clinical testing. Allele origin: germline. Affected: no.

Ambry Genetics
Classification: Likely benign for Hereditary cancer-predisposing syndrome. Last evaluated: 2016-01-18. Review status: criteria provided, single submitter. Criteria: Ambry Autosomal Dominant and X-Linked criteria (10/2015). Collection method: clinical testing. Allele origin: germline. Observed: 1 variant allele.
Comment: Synonymous alterations with insufficient evidence to classify as benign

Breakthrough Genomics
Classification: Likely benign. Review status: criteria provided, single submitter. Criteria: ACMG Guidelines, 2015. Collection method: not provided. Allele origin: germline. Inheritance: Autosomal dominant inheritance. Affected: yes.